The following is an entry in ClinVar:

ClinVar aggregate classification (germline): Uncertain significance (1 of 4 stars; one submission).

Conditions:
Alstrom syndrome (ALMS). Identifiers: Orphanet 64, MedGen C0268425, MONDO:0008763, OMIM 203800.

Allele frequency attached by ClinVar (database versions not stated): gnomAD exomes below 0.00001; ExAC 0.00001.
gnomAD v4.1: 10 of 1,614,044 alleles (0.00062%); highest among the groups gnomAD compares: Non-Finnish European, 0.00085%; no homozygotes.

Submission:

Labcorp Genetics (formerly Invitae), Labcorp
Classification: Uncertain significance for Alstrom syndrome. Last evaluated: 2024-10-06. Review status: criteria provided, single submitter. Criteria: Invitae Variant Classification Sherloc (09022015). Collection method: clinical testing. Allele origin: germline.
Comment: This sequence change replaces glutamine, which is neutral and polar, with glutamic acid, which is acidic and polar, at codon 967 of the ALMS1 protein (p.Gln967Glu). This variant is present in population databases (rs761177629, gnomAD 0.0009%). This variant has not been reported in the literature in individuals affected with ALMS1-related conditions. ClinVar contains an entry for this variant (Variation ID: 1500393). An algorithm developed to predict the effect of missense changes on protein structure and function outputs the following: PolyPhen-2: "Not Available". The glutamic acid amino acid residue is found in multiple mammalian species, which suggests that this missense change does not adversely affect protein function. In summary, the available evidence is currently insufficient to determine the role of this variant in disease. Therefore, it has been classified as a Variant of Uncertain Significance.

NM_001378454.1(ALMS1):c.2896C>G (p.Gln966Glu)

Gene: ALMS1 (ALMS1 centrosome and basal body associated protein; plus strand). Cytogenetic location: 2p13.1.
Variant type: single nucleotide variant.
Coding change: c.2896C>G on transcript NM_001378454.1 (MANE Select); coding-DNA position 2896, C replaced by G.
Protein change: p.Gln966Glu; replaces glutamine 966 with glutamic acid.
Molecular consequence: missense variant.
Genome position (GRCh38, 1-based): chr2:73,449,423, C>G. VCF-style: chr2-73449423-C-G. GRCh37 (hg19) VCF-style: chr2-73676550-C-G.
Other names: c.2899C>G, p.Gln967Glu (NM_015120.4); short protein forms Q967E, Q966E.
Identifiers: ClinVar variation 1500393 (VCV001500393.7), dbSNP rs761177629, ClinGen allele CA1713432.